The following is an entry in ClinVar:

NM_001009999.3(KDM1A):c.2224A>G (p.Ile742Val)

Gene: KDM1A (lysine demethylase 1A; plus strand). Cytogenetic location: 1p36.12.
Variant type: single nucleotide variant.
Coding change: c.2224A>G on transcript NM_001009999.3 (MANE Select); coding-DNA position 2224, A replaced by G.
Protein change: p.Ile742Val; replaces isoleucine 742 with valine.
Molecular consequence: missense variant.
Genome position (GRCh38, 1-based): chr1:23,081,499, A>G. VCF-style: chr1-23081499-A-G. GRCh37 (hg19) VCF-style: chr1-23407992-A-G.
Other names: c.2170A>G, p.Ile724Val (NM_001363654.2); c.2230A>G, p.Ile744Val (NM_001410762.1); c.2152A>G, p.Ile718Val (NM_001410763.1, NM_015013.4); short protein forms I724V, I718V, I742V, I744V.
Identifiers: ClinVar variation 2043486 (VCV002043486.4), dbSNP rs753231524, ClinGen allele CA679923.

ClinVar aggregate classification (germline): Uncertain significance (1 of 4 stars; one submission).

Allele frequency attached by ClinVar (database versions not stated): gnomAD exomes below 0.00001; ExAC 0.00001.
gnomAD v4.1: 5 of 1,614,196 alleles (0.00031%); highest among the groups gnomAD compares: Non-Finnish European, 0.00034%; no homozygotes.

Submission:

Labcorp Genetics (formerly Invitae), Labcorp
Classification: Uncertain significance. Last evaluated: 2023-05-08. Review status: criteria provided, single submitter. Criteria: Invitae Variant Classification Sherloc (09022015). Collection method: clinical testing. Allele origin: germline.
Comment: In summary, the available evidence is currently insufficient to determine the role of this variant in disease. Therefore, it has been classified as a Variant of Uncertain Significance. Algorithms developed to predict the effect of sequence changes on RNA splicing suggest that this variant may create or strengthen a splice site. Advanced modeling of protein sequence and biophysical properties (such as structural, functional, and spatial information, amino acid conservation, physicochemical variation, residue mobility, and thermodynamic stability) performed at Invitae indicates that this missense variant is not expected to disrupt KDM1A protein function. ClinVar contains an entry for this variant (Variation ID: 2043486). This variant has not been reported in the literature in individuals affected with KDM1A-related conditions. This variant is present in population databases (rs753231524, gnomAD 0.0009%). This sequence change replaces isoleucine, which is neutral and non-polar, with valine, which is neutral and non-polar, at codon 742 of the KDM1A protein (p.Ile742Val).